The following is an entry in ClinVar:

ClinVar aggregate classification (germline): Uncertain significance (1 of 4 stars; one submission).

gnomAD v4.1: 3 of 1,612,408 alleles (0.00019%); highest among the groups gnomAD compares: Non-Finnish European, 0.00025%; no homozygotes.

Submission:

Labcorp Genetics (formerly Invitae), Labcorp
Classification: Uncertain significance. Last evaluated: 2024-03-19. Review status: criteria provided, single submitter. Criteria: Invitae Variant Classification Sherloc (09022015). Collection method: clinical testing. Allele origin: germline.
Comment: This sequence change replaces isoleucine, which is neutral and non-polar, with methionine, which is neutral and non-polar, at codon 365 of the DCHS1 protein (p.Ile365Met). This variant is not present in population databases (gnomAD no frequency). This variant has not been reported in the literature in individuals affected with DCHS1-related conditions. Advanced modeling of protein sequence and biophysical properties (such as structural, functional, and spatial information, amino acid conservation, physicochemical variation, residue mobility, and thermodynamic stability) performed at Invitae indicates that this missense variant is not expected to disrupt DCHS1 protein function with a negative predictive value of 80%. In summary, the available evidence is currently insufficient to determine the role of this variant in disease. Therefore, it has been classified as a Variant of Uncertain Significance.

NM_003737.4(DCHS1):c.1095C>G (p.Ile365Met)

Gene: DCHS1 (dachsous cadherin-related 1; minus strand). Cytogenetic location: 11p15.4.
Variant type: single nucleotide variant.
Coding change: c.1095C>G on transcript NM_003737.4 (MANE Select); coding-DNA position 1095, C replaced by G.
Protein change: p.Ile365Met; replaces isoleucine 365 with methionine.
Molecular consequence: missense variant.
Genome position (GRCh38, 1-based): chr11:6,640,519, G>C on the plus strand (C>G on the coding strand, the complement: DCHS1 is on the minus strand). VCF-style: chr11-6640519-G-C. GRCh37 (hg19) VCF-style: chr11-6661750-G-C.
Other names: short protein forms I365M.
Identifiers: ClinVar variation 3613375 (VCV003613375.2).